The following is an entry in ClinVar:

ClinVar aggregate classification (germline): Uncertain significance (1 of 4 stars; one submission).

Allele frequency attached by ClinVar (database versions not stated): gnomAD exomes 0.00001; TOPMed 0.00002.
gnomAD v4.1: 5 of 1,577,856 alleles (0.00032%); highest among the groups gnomAD compares: Admixed American, 0.0091%; no homozygotes.

Submission:

Labcorp Genetics (formerly Invitae), Labcorp
Classification: Uncertain significance. Last evaluated: 2021-10-05. Review status: criteria provided, single submitter. Criteria: Invitae Variant Classification Sherloc (09022015). Collection method: clinical testing. Allele origin: germline.
Comment: This sequence change replaces aspartic acid with glycine at codon 627 of the ARHGEF18 protein (p.Asp627Gly). The aspartic acid residue is moderately conserved and there is a moderate physicochemical difference between aspartic acid and glycine. This variant is not present in population databases (ExAC no frequency). This variant has not been reported in the literature in individuals affected with ARHGEF18-related conditions. Algorithms developed to predict the effect of missense changes on protein structure and function are either unavailable or do not agree on the potential impact of this missense change (SIFT: "Deleterious"; PolyPhen-2: "Benign"; Align-GVGD: "Class C15"). In summary, the available evidence is currently insufficient to determine the role of this variant in disease. Therefore, it has been classified as a Variant of Uncertain Significance.

NM_001367823.1(ARHGEF18):c.2444A>G (p.Asp815Gly)

Gene: ARHGEF18 (Rho/Rac guanine nucleotide exchange factor 18; plus strand). Cytogenetic location: 19p13.2.
Variant type: single nucleotide variant.
Coding change: c.2444A>G on transcript NM_001367823.1 (MANE Select); coding-DNA position 2444, A replaced by G.
Protein change: p.Asp815Gly; replaces aspartic acid 815 with glycine.
Molecular consequence: missense variant.
Genome position (GRCh38, 1-based): chr19:7,459,986, A>G. VCF-style: chr19-7459986-A-G. GRCh37 (hg19) VCF-style: chr19-7524872-A-G.
Other names: c.1718A>G, p.Asp573Gly (NM_001130955.2); c.1406A>G, p.Asp469Gly (NM_001367824.1, NM_015318.4); short protein forms D469G, D573G, D815G.
Identifiers: ClinVar variation 1367004 (VCV001367004.5), dbSNP rs1386190334, ClinGen allele CA403120596.
Genomic context (GRCh38, chr19:7,459,986, plus strand): 5'-CCTTCAGCCTGCCCGAAGAGGAAAGGAAGGTGGTCGAGGCCCGCGCCACGAGACTCCGGG[A>G]CTTTCAAGGTGAGCGGGAGACAGCGTCTGGGCACACCCCTTGTGTGGTGAGCCCTGGGCC-3'
Protein context (NP_001354752.1, residues 805-825): VVEARATRLR[Asp815Gly]FQERLSMKDQ